The following is an entry in ClinVar:

NM_001267550.2(TTN):c.4945G>A (p.Val1649Ile)

Gene: TTN (titin; minus strand). Cytogenetic location: 2q31.2.
Variant type: single nucleotide variant.
Coding change: c.4945G>A on transcript NM_001267550.2 (MANE Select); coding-DNA position 4945, G replaced by A.
Protein change: p.Val1649Ile; replaces valine 1649 with isoleucine.
Molecular consequence: missense variant.
Genome position (GRCh38, 1-based): chr2:178,776,919, C>T on the plus strand (G>A on the coding strand, the complement: TTN is on the minus strand). VCF-style: chr2-178776919-C-T. GRCh37 (hg19) VCF-style: chr2-179641646-C-T.
Other names: c.4945G>A, p.Val1649Ile (NM_001256850.1, NM_133378.4, NM_133379.5); c.4807G>A, p.Val1603Ile (NM_003319.4, NM_133432.3, NM_133437.4); c.4945G>A (NM_133379.4); short protein forms V1649I, V1603I.
Identifiers: ClinVar variation 497323 (VCV000497323.8), dbSNP rs138931943, ClinGen allele CA60978081.
Genomic context (GRCh38, chr2:178,776,919, plus strand): 5'-CTCTATATGTCCCCCGTGGGATGATTAACTTTCTCTCTGGCTCAGGCTCTGCAAACTCAA[C>T]TTCAACATTTACTTTGCATCTTGTAGTGTCTCTGCCAGCTTTATTAATAGCAGTCGCAGT-3'
Protein context (NP_001254479.2, residues 1639-1659): DTTRCKVNVE[Val1649Ile]EFAEPEPERK

ClinVar aggregate classification (germline): Uncertain significance. Review status: criteria provided, multiple submitters, no conflicts (2 of 4 stars). 3 submissions from 3 submitters: Uncertain significance (3). Last evaluated 2021-07-13.

Conditions:
Cardiovascular phenotype. Identifiers: MedGen CN230736.
Tibial muscular dystrophy (TMD). Also called: UDD MYOPATHY; Tibial muscular dystrophy, tardive; Udd Distal Myopathy – Tibial Muscular Dystrophy. Identifiers: Orphanet 609, MedGen C1838244, MONDO:0010870, OMIM 600334.
Early-onset myopathy with fatal cardiomyopathy (CMYO5). Also called: Salih Myopathy; CONGENITAL MYOPATHY 5 WITH CARDIOMYOPATHY. Identifiers: Orphanet 289377, MedGen C2673677, MONDO:0012714, OMIM 611705. Disease mechanism: loss of function.
Hypertrophic cardiomyopathy 9. Also called: Familial hypertrophic cardiomyopathy 9. Identifiers: MedGen C1861065, MONDO:0013412, OMIM 613765.
Autosomal recessive limb-girdle muscular dystrophy type 2J (LGMDR10). Also called: Limb-girdle muscular dystrophy, type 2J; MUSCULAR DYSTROPHY, LIMB-GIRDLE, AUTOSOMAL RECESSIVE 10. Identifiers: Orphanet 140922, MedGen C1837342, MONDO:0012127, OMIM 608807.
Myopathy, myofibrillar, 9, with early respiratory failure (MFM9). Also called: Hereditary myopathy with early respiratory failure; EDSTROM MYOPATHY; MYOPATHY, PROXIMAL, WITH EARLY RESPIRATORY MUSCLE INVOLVEMENT; Myopathy, distal, with early respiratory failure, autosomal dominant. Identifiers: Orphanet 178464, Orphanet 34521, MedGen C1863599, MONDO:0011362, OMIM 603689.
Dilated cardiomyopathy 1G (CMD1G). Identifiers: Orphanet 154, MedGen C1858763, MONDO:0011400, OMIM 604145.

Allele frequency attached by ClinVar (database versions not stated): gnomAD exomes 0.00001; TOPMed 0.00004; gnomAD 0.00005; ESP Exome Variant Server 0.00023.
gnomAD v4.1: 47 of 1,613,212 alleles (0.0029%); highest among the groups gnomAD compares: African/African-American, 0.004%; no homozygotes.

Submissions (3):

Fulgent Genetics
Classification: Uncertain significance for Tibial muscular dystrophy; Myopathy, myofibrillar, 9, with early respiratory failure; Dilated cardiomyopathy 1G; Autosomal recessive limb-girdle muscular dystrophy type 2J; Early-onset myopathy with fatal cardiomyopathy; Hypertrophic cardiomyopathy 9. Last evaluated: 2021-07-13. Review status: criteria provided, single submitter. Criteria: ACMG Guidelines, 2015. Collection method: clinical testing. Allele origin: unknown.

Ambry Genetics
Classification: Uncertain significance for Cardiovascular phenotype. Last evaluated: 2019-04-19. Review status: criteria provided, single submitter. Criteria: Ambry Variant Classification Scheme 2023. Collection method: clinical testing. Allele origin: germline.
Comment: The p.V1603I variant (also known as c.4807G>A), located in coding exon 26 of the TTN gene, results from a G to A substitution at nucleotide position 4807. The valine at codon 1603 is replaced by isoleucine, an amino acid with highly similar properties. This amino acid position is well conserved in available vertebrate species. In addition, this alteration is predicted to be benign and unknown by PolyPhen and SIFT in silico analyses, respectively. Since supporting evidence is limited at this time, the clinical significance of this alteration remains unclear.

Eurofins Ntd Llc (ga)
Classification: Uncertain significance. Last evaluated: 2016-09-30. Review status: criteria provided, single submitter. Criteria: EGL Classification Definitions 2015. Collection method: clinical testing. Allele origin: germline. Observed: 1 variant allele, 1 heterozygote.